The following is an entry in ClinVar:

NM_000548.5(TSC2):c.1377C>G (p.Gly459=)

Gene: TSC2 (TSC complex subunit 2; plus strand). Cytogenetic location: 16p13.3.
Variant type: single nucleotide variant.
Coding change: c.1377C>G on transcript NM_000548.5 (MANE Select); coding-DNA position 1377, C replaced by G.
Protein change: p.Gly459=; no amino-acid change (glycine 459 retained).
Molecular consequence: synonymous variant.
Genome position (GRCh38, 1-based): chr16:2,062,987, C>G. VCF-style: chr16-2062987-C-G. GRCh37 (hg19) VCF-style: chr16-2112988-C-G.
Other names: c.1377C>G, p.Gly459= (NM_001077183.3, NM_001114382.3, NM_001363528.2 and 3 more transcripts); c.1266C>G, p.Gly422= (NM_001318827.2); c.1230C>G, p.Gly410= (NM_001318829.2); c.777C>G, p.Gly259= (NM_001318831.2); c.1410C>G, p.Gly470= (NM_001318832.2); c.1377C>G (NM_000548.4).
Identifiers: ClinVar variation 759787 (VCV000759787.13), dbSNP rs45517170, ClinGen allele CA276778115.

ClinVar aggregate classification (germline): Benign/Likely benign. Review status: criteria provided, multiple submitters, no conflicts (2 of 4 stars). 4 submissions from 4 submitters: Benign (1); Likely benign (2). 1 of the submissions does not count toward it. Last evaluated 2025-05-14.

Conditions:
Hereditary cancer-predisposing syndrome. Also called: Tumor predisposition; Hereditary Cancer Syndrome; Neoplastic Syndromes, Hereditary; Hereditary neoplastic syndrome. Identifiers: Orphanet 140162, MedGen C0027672, MeSH D009386, MONDO:0015356.
TSC2-related disorder. Also called: TSC2-related condition; TSC2-Related Disorders.
Tuberous sclerosis 2 (TSC2). Identifiers: Orphanet 805, MedGen C1860707, MONDO:0013199, OMIM 613254.

Allele frequency attached by ClinVar (database versions not stated): TOPMed 0.00001.

Submissions (4):

Myriad Genetics, Inc.
Classification: Benign for Tuberous sclerosis 2. Last evaluated: 2025-05-14. Review status: criteria provided, single submitter. Criteria: Myriad Autosomal Dominant, Autosomal Recessive and X-Linked Classification Criteria (2023). Collection method: clinical testing. Allele origin: unknown.
Comment: This variant is considered benign. This variant is a silent/synonymous amino acid change and it is not expected to impact splicing.

Labcorp Genetics (formerly Invitae), Labcorp
Classification: Likely benign for Tuberous sclerosis 2. Last evaluated: 2024-12-20. Review status: criteria provided, single submitter. Criteria: Invitae Variant Classification Sherloc (09022015). Collection method: clinical testing. Allele origin: germline.

Ambry Genetics
Classification: Likely benign for Hereditary cancer-predisposing syndrome. Last evaluated: 2024-05-18. Review status: criteria provided, single submitter. Criteria: Ambry Variant Classification Scheme 2023. Collection method: clinical testing. Allele origin: germline.

PreventionGenetics, part of Exact Sciences
Classification: Likely benign for TSC2-related condition. Last evaluated: 2023-02-23. Review status: no assertion criteria provided. Collection method: clinical testing. Allele origin: germline. Not counted in ClinVar's aggregate classification.
Comment: This variant is classified as likely benign based on ACMG/AMP sequence variant interpretation guidelines (Richards et al. 2015 PMID: 25741868, with internal and published modifications).